The following is an entry in ClinVar:

NM_032043.3(BRIP1):c.1713G>C (p.Leu571Phe)

Gene: BRIP1 (BRCA1 interacting DNA helicase 1; minus strand). Cytogenetic location: 17q23.2.
Variant type: single nucleotide variant.
Coding change: c.1713G>C on transcript NM_032043.3 (MANE Select); coding-DNA position 1713, G replaced by C.
Protein change: p.Leu571Phe; replaces leucine 571 with phenylalanine.
Molecular consequence: missense variant.
Genome position (GRCh38, 1-based): chr17:61,780,921, C>G on the plus strand (G>C on the coding strand, the complement: BRIP1 is on the minus strand). VCF-style: chr17-61780921-C-G. GRCh37 (hg19) VCF-style: chr17-59858282-C-G.
Other names: short protein forms L571F.
Identifiers: ClinVar variation 2946179 (VCV002946179.3), dbSNP rs2145093908, ClinGen allele CA400480406.
Genomic context (GRCh38, chr17:61,780,921, plus strand): 5'-AAAGTTTAGCACATGAACTGCAGTTTTCTGTCGTGAACGTTTCTTATTTTTTGGTAGAAC[C>G]AACAACCCATTTTTGTCTGAAATATCAATCTGATTTGTCCAGGAGTAAGTCTGTTGAATC-3'
Protein context (NP_114432.2, residues 561-581): QIDISDKNGL[Leu571Phe]VLPKNKKRSR

ClinVar aggregate classification (germline): Uncertain significance (1 of 4 stars; one submission).

Conditions:
Fanconi anemia complementation group J. Also called: BRIP1-Related Fanconi Anemia. Identifiers: Orphanet 84, MedGen C1836860, MONDO:0012187, OMIM 609054.
Familial cancer of breast. Also called: BREAST CANCER, FAMILIAL; Hereditary breast cancer; hereditary breast carcinoma. Identifiers: Orphanet 227535, MedGen C0346153, MONDO:0016419, OMIM 114480. Disease mechanism: loss of function.

Submission:

Labcorp Genetics (formerly Invitae), Labcorp
Classification: Uncertain significance for Familial cancer of breast; Fanconi anemia complementation group J. Last evaluated: 2023-12-27. Review status: criteria provided, single submitter. Criteria: Invitae Variant Classification Sherloc (09022015). Collection method: clinical testing. Allele origin: germline.
Comment: This sequence change replaces leucine, which is neutral and non-polar, with phenylalanine, which is neutral and non-polar, at codon 571 of the BRIP1 protein (p.Leu571Phe). This variant is not present in population databases (gnomAD no frequency). This variant has not been reported in the literature in individuals affected with BRIP1-related conditions. Advanced modeling of protein sequence and biophysical properties (such as structural, functional, and spatial information, amino acid conservation, physicochemical variation, residue mobility, and thermodynamic stability) performed at Invitae indicates that this missense variant is not expected to disrupt BRIP1 protein function with a negative predictive value of 80%. In summary, the available evidence is currently insufficient to determine the role of this variant in disease. Therefore, it has been classified as a Variant of Uncertain Significance.